The following is an entry in ClinVar:

ClinVar aggregate classification (germline): Conflicting classifications of pathogenicity. Review status: criteria provided, conflicting classifications (1 of 4 stars). 5 submissions from 5 submitters: Uncertain significance (3); Likely benign (2). Last evaluated 2026-03-02.

Conditions:
Familial cancer of breast. Also called: Hereditary breast cancer; BREAST CANCER, FAMILIAL; hereditary breast carcinoma. Identifiers: Orphanet 227535, MedGen C0346153, MONDO:0016419, OMIM 114480. Disease mechanism: loss of function.
Fanconi anemia complementation group J. Also called: BRIP1-Related Fanconi Anemia. Identifiers: Orphanet 84, MedGen C1836860, MONDO:0012187, OMIM 609054.
Hereditary cancer-predisposing syndrome. Also called: Hereditary neoplastic syndrome; Tumor predisposition; Hereditary Cancer Syndrome; Neoplastic Syndromes, Hereditary. Identifiers: Orphanet 140162, MedGen C0027672, MeSH D009386, MONDO:0015356.

Allele frequency attached by ClinVar (database versions not stated): ExAC 0.00002; gnomAD 0.00001; gnomAD exomes 0.00001.
gnomAD v4.1: 5 of 1,568,504 alleles (0.00032%); highest among the groups gnomAD compares: Non-Finnish European, 0.00044%; no homozygotes.

Submissions (6):

Institute for Biomarker Research, Medical Diagnostic Laboratories, L.L.C.
Classification: Likely benign for Hereditary cancer-predisposing syndrome. Last evaluated: 2026-03-02. Review status: criteria provided, single submitter. Criteria: ACMG Guidelines, 2015. Collection method: clinical testing. Allele origin: germline.
Comment: The intron variant NM_032043.3(BRIP1):c.919-10T>G has not been reported previously as a pathogenic variant, to our knowledge (Accession: VCV000530356.18). The c.919-10T>G variant is observed in 2/113,112 (0.0018%) alleles from individuals of gnomAD Non Finnish European background in gnomAD. The c.919-10T>G variant is not predicted to disrupt the existing acceptor splice site 8bp upstream by 3 of 4 splice site algorithms. The c.919-10T>G variant is predicted to introduce a novel splice site by 1 of 4 splice site algorithms. The c.919-10T>G variant results in a substitution of a base that is not predicted conserved by GERP++ and PhyloP. For these reasons, this variant has been classified as Likely Benign.

Labcorp Genetics (formerly Invitae), Labcorp
Classification: Likely benign for Familial cancer of breast; Fanconi anemia complementation group J. Last evaluated: 2025-05-18. Review status: criteria provided, single submitter. Criteria: Invitae Variant Classification Sherloc (09022015). Collection method: clinical testing. Allele origin: germline.

Baylor Genetics
Classification: Uncertain significance for Familial cancer of breast. Last evaluated: 2023-11-14. Review status: criteria provided, single submitter. Criteria: ACMG Guidelines, 2015. Collection method: clinical testing. Allele origin: unknown.

GeneDx
Classification: Uncertain significance. Last evaluated: 2023-01-17. Review status: criteria provided, single submitter. Criteria: GeneDx Variant Classification Process June 2021. Collection method: clinical testing. Allele origin: germline. Affected: yes.
Comment: Not observed at significant frequency in large population cohorts (gnomAD); In silico analysis is inconclusive as to whether the variant alters gene splicing. In the absence of RNA/functional studies, the actual effect of this sequence change is unknown.; Has not been previously published as pathogenic or benign to our knowledge

Color Diagnostics, LLC DBA Color Health
Classification: Uncertain significance for Hereditary cancer-predisposing syndrome. Last evaluated: 2019-04-25. Review status: criteria provided, single submitter. Criteria: ACMG Guidelines, 2015. Collection method: clinical testing. Allele origin: germline.

Dr. Peter K. Rogan Lab, Western University
No classification provided (evidence only). Condition: Uterine carcinosarcoma. Review status: no classification provided. Collection method: in vitro. Allele origin: not applicable. Functional consequence: retained intron. Not counted in ClinVar's aggregate classification.

NM_032043.3(BRIP1):c.919-10T>G

Gene: BRIP1 (BRCA1 interacting DNA helicase 1; minus strand). Cytogenetic location: 17q23.2.
Variant type: single nucleotide variant.
Coding change: c.919-10T>G on transcript NM_032043.3 (MANE Select); 10 bases into the intron before coding-DNA position 919, T replaced by G.
Molecular consequence: intron variant.
Genome position (GRCh38, 1-based): chr17:61,801,484, A>C on the plus strand (T>G on the coding strand, the complement: BRIP1 is on the minus strand). VCF-style: chr17-61801484-A-C. GRCh37 (hg19) VCF-style: chr17-59878845-A-C.
Identifiers: ClinVar variation 530356 (VCV000530356.19), dbSNP rs748497834, ClinGen allele CA8690825.